The following is an entry in ClinVar:

NM_016816.4(OAS1):c.655-1G>C

Gene: OAS1 (2'-5'-oligoadenylate synthetase 1; plus strand). Cytogenetic location: 12q24.13.
Variant type: single nucleotide variant.
Coding change: c.655-1G>C on transcript NM_016816.4 (MANE Select); the canonical splice acceptor site of the intron before coding-DNA position 655, G replaced by C.
Molecular consequence: splice acceptor variant.
Genome position (GRCh38, 1-based): chr12:112,916,508, G>C. VCF-style: chr12-112916508-G-C. GRCh37 (hg19) VCF-style: chr12-113354313-G-C.
Other names: c.655-1G>C (NM_001320151.2, NM_001406022.1, NM_001032409.3 and 1 more transcripts); c.631-1G>C (NM_001406025.1, NM_001406024.1, NM_001406023.1 and 2 more transcripts); c.181-1G>C (NM_001406030.1, NM_001406029.1, NM_001406027.1 and 1 more transcripts).
Identifiers: ClinVar variation 1947987 (VCV001947987.5), dbSNP rs2043457901, ClinGen allele CA386804847.

ClinVar aggregate classification (germline): Uncertain significance (1 of 4 stars; one submission).

Allele frequency attached by ClinVar (database versions not stated): gnomAD exomes below 0.00001; TOPMed below 0.00001.
gnomAD v4.1: 1 of 1,611,146 alleles (0.000062%); highest among the groups gnomAD compares: Non-Finnish European, 0.000085%; no homozygotes.

Submission:

Labcorp Genetics (formerly Invitae), Labcorp
Classification: Uncertain significance. Last evaluated: 2025-08-18. Review status: criteria provided, single submitter. Criteria: Invitae Variant Classification Sherloc (09022015). Collection method: clinical testing. Allele origin: germline.
Comment: This sequence change affects an acceptor splice site in intron 3 of the OAS1 gene. It is expected to disrupt RNA splicing. Variants that disrupt the donor or acceptor splice site typically lead to a loss of protein function (PMID: 16199547), however the current clinical and genetic evidence is not sufficient to establish whether loss-of-function variants in OAS1 cause disease. This variant is not present in population databases (gnomAD no frequency). This variant has not been reported in the literature in individuals affected with OAS1-related conditions. ClinVar contains an entry for this variant (Variation ID: 1947987). Algorithms developed to predict the effect of sequence changes on RNA splicing suggest that this variant may disrupt the consensus splice site. In summary, the available evidence is currently insufficient to determine the role of this variant in disease. Therefore, it has been classified as a Variant of Uncertain Significance.

Literature cited by the submitters: PubMed 16199547.